The following is an entry in ClinVar:

ClinVar aggregate classification (germline): Uncertain significance (1 of 4 stars; one submission).

Conditions:
Charcot-Marie-Tooth disease type 2. Also called: Charcot-Marie-Tooth type 2. Identifiers: Orphanet 64746, MedGen C0270914, MONDO:0018993.

Submission:

Labcorp Genetics (formerly Invitae), Labcorp
Classification: Uncertain significance for Charcot-Marie-Tooth disease type 2. Last evaluated: 2024-07-02. Review status: criteria provided, single submitter. Criteria: Invitae Variant Classification Sherloc (09022015). Collection method: clinical testing. Allele origin: germline.
Comment: This sequence change replaces valine, which is neutral and non-polar, with leucine, which is neutral and non-polar, at codon 513 of the LMNA protein (p.Val513Leu). This variant is not present in population databases (gnomAD no frequency). This variant has not been reported in the literature in individuals affected with LMNA-related conditions. Advanced modeling of protein sequence and biophysical properties (such as structural, functional, and spatial information, amino acid conservation, physicochemical variation, residue mobility, and thermodynamic stability) performed at Invitae indicates that this missense variant is expected to disrupt LMNA protein function with a positive predictive value of 95%. In summary, the available evidence is currently insufficient to determine the role of this variant in disease. Therefore, it has been classified as a Variant of Uncertain Significance.

NM_170707.4(LMNA):c.1537G>T (p.Val513Leu)

Gene: LMNA (lamin A/C; plus strand). Cytogenetic location: 1q22.
Variant type: single nucleotide variant.
Coding change: c.1537G>T on transcript NM_170707.4 (MANE Select); coding-DNA position 1537, G replaced by T.
Protein change: p.Val513Leu; replaces valine 513 with leucine.
Molecular consequence: missense variant.
Genome position (GRCh38, 1-based): chr1:156,137,161, G>T. VCF-style: chr1-156137161-G-T. GRCh37 (hg19) VCF-style: chr1-156106952-G-T.
Other names: c.1294G>T, p.Val432Leu (NM_001282624.2, NM_001406986.1, NM_001406987.1); c.1537G>T, p.Val513Leu (NM_001282625.2, NM_001282626.2, NM_001406983.1 and 6 more transcripts); c.1240G>T, p.Val414Leu (NM_001406988.1); c.913G>T, p.Val305Leu (NM_001406999.1, NM_001407000.1, NM_001407001.1 and 1 more transcripts); c.979G>T, p.Val327Leu (NM_001407002.1, NM_001407003.1, NM_001406990.1 and 4 more transcripts); c.1201G>T, p.Val401Leu (NM_001257374.3, NM_001406989.1, NM_001406998.1); short protein forms V513L, V401L, V327L, V414L, V432L, V305L.
Identifiers: ClinVar variation 3691160 (VCV003691160.2).